The following is an entry in ClinVar:

NM_000159.4(GCDH):c.334G>C (p.Gly112Arg)

Gene: GCDH (glutaryl-CoA dehydrogenase; plus strand). Cytogenetic location: 19p13.13.
Variant type: single nucleotide variant.
Coding change: c.334G>C on transcript NM_000159.4 (MANE Select); coding-DNA position 334, G replaced by C.
Protein change: p.Gly112Arg; replaces glycine 112 with arginine.
Molecular consequence: missense variant. On other transcripts: non-coding transcript variant (1).
Genome position (GRCh38, 1-based): chr19:12,892,178, G>C. VCF-style: chr19-12892178-G-C. GRCh37 (hg19) VCF-style: chr19-13002992-G-C.
Other names: c.334G>C, p.Gly112Arg (NM_013976.5); short protein forms G112R.
Identifiers: ClinVar variation 5042741 (VCV005042741.1).

ClinVar aggregate classification (germline): Uncertain significance (1 of 4 stars; one submission).

Conditions:
Glutaric aciduria, type 1. Also called: GA I; Glutaric Acidemia Type 1; Glutaryl-CoA dehydrogenase deficiency; Glutaric acidemia type I; Glutaricacidemia Type 1; Glutaricaciduria, type I. Identifiers: Orphanet 25, MedGen C0268595, MONDO:0009281, OMIM 231670.

Submission:

Cellular and Molecular Research Center, Cellular and Molecular Medicine Research Institute,, Urmia University of Medical Sciences
Classification: Uncertain significance for Glutaric aciduria, type 1. Last evaluated: 2026-10-17. Review status: criteria provided, single submitter. Criteria: ACMG Guidelines, 2015. Collection method: clinical testing. Allele origin: germline. Inheritance: Autosomal recessive inheritance. Affected: yes. Observed: 1 variant allele, 1 homozygote.
Comment: The GCDH gene encodes glutaryl-CoA dehydrogenase, a mitochondrial enzyme involved in the breakdown of the amino acids lysine, hydroxylysine and tryptophan. Deficiency of this enzyme causes glutaric acidemia type I (GA1; OMIM: 231670), an autosomal recessive metabolic disorder. The disease was first described in 1975, while the molecular association with GCDH mutations was established in the early 1990s and confirmed by studies published in 1995–1996.GA1 is characterized by accumulation of glutaric acid and 3-hydroxyglutaric acid, which can cause neurological damage, particularly involving the basal ganglia. Affected individuals may develop macrocephaly, developmental delay, dystonia, abnormal involuntary movements and movement disorders. The variant c.334G>C is a single-nucleotide substitution in which guanine (G), a purine, is replaced by cytosine (C), a pyrimidine. It is therefore a purine-to-pyrimidine transversion. Based on the coding sequence, this substitution is predicted to change glutamic acid to glutamine at amino-acid position 112: p.(Glu112Gln). This is a missense variant, not an insertion, deletion or frameshift. A change in this amino acid could potentially affect GCDH protein structure or enzyme activity. Reduced or absent GCDH activity leads to accumulation of toxic metabolic intermediates and is the established disease mechanism in GA1. The pathogenicity of c.334G>C requires independent evidence, such as patient data, segregation analysis and functional studies.

Literature cited by the submitters: PubMed 39185018.